The following is an entry in ClinVar:

NM_024079.5(ALG8):c.1117T>C (p.Ser373Pro)

Gene: ALG8 (ALG8 alpha-1,3-glucosyltransferase; minus strand). Cytogenetic location: 11q14.1.
Variant type: single nucleotide variant.
Coding change: c.1117T>C on transcript NM_024079.5 (MANE Select); coding-DNA position 1117, T replaced by C.
Protein change: p.Ser373Pro; replaces serine 373 with proline.
Molecular consequence: missense variant.
Genome position (GRCh38, 1-based): chr11:78,106,868, A>G on the plus strand (T>C on the coding strand, the complement: ALG8 is on the minus strand). VCF-style: chr11-78106868-A-G. GRCh37 (hg19) VCF-style: chr11-77817914-A-G.
Other names: c.1117T>C, p.Ser373Pro (NM_001007027.3); short protein forms S373P.
Identifiers: ClinVar variation 387426 (VCV000387426.11), dbSNP rs558379335, ClinGen allele CA6203215.
Genomic context (GRCh38, chr11:78,106,868, plus strand): 5'-TCATTGGGAGAATTGCTAGAAGTATGGCTTTTTCATGAACATGCCACCCAAACATAAAGG[A>G]GCTCAAGGCACAAAGAGTTAGACATCGGAGAAAGCCTCTGGGCCCTTGGGGTTTAAACCA-3'
Protein context (NP_076984.2, residues 363-383): LRCLTLCALS[Ser373Pro]FMFGWHVHEK

ClinVar aggregate classification (germline): Uncertain significance. Review status: criteria provided, multiple submitters, no conflicts (2 of 4 stars). 5 submissions from 5 submitters: Uncertain significance (5). Last evaluated 2024-10-20.

Conditions:
ALG8 congenital disorder of glycosylation. Also called: CONGENITAL DISORDER OF GLYCOSYLATION, TYPE Ih; CDG Ih; ALG8-CDG. Identifiers: Orphanet 79325, MedGen C2931002, MONDO:0011969, OMIM 608104.
Polycystic liver disease 3 with or without kidney cysts. Identifiers: MedGen C4693472, MONDO:0054743, OMIM 617874.
Inborn genetic diseases. Identifiers: MedGen C0950123, MeSH D030342.

Allele frequency attached by ClinVar (database versions not stated): gnomAD exomes 0.00002; gnomAD 0.00003; TOPMed 0.00005; ExAC 0.00006; 1000 Genomes Project 30x 0.00016; 1000 Genomes Project 0.00020.
gnomAD v4.1: 38 of 1,614,160 alleles (0.0024%); highest among the groups gnomAD compares: Admixed American, 0.022%; no homozygotes.

Submissions (5):

Ambry Genetics
Classification: Uncertain significance for Inborn genetic diseases. Last evaluated: 2024-10-20. Review status: criteria provided, single submitter. Criteria: Ambry Variant Classification Scheme 2023. Collection method: clinical testing. Allele origin: germline.

Labcorp Genetics (formerly Invitae), Labcorp
Classification: Uncertain significance for ALG8 congenital disorder of glycosylation. Last evaluated: 2024-05-27. Review status: criteria provided, single submitter. Criteria: Invitae Variant Classification Sherloc (09022015). Collection method: clinical testing. Allele origin: germline.
Comment: This sequence change replaces serine, which is neutral and polar, with proline, which is neutral and non-polar, at codon 373 of the ALG8 protein (p.Ser373Pro). This variant is present in population databases (rs558379335, gnomAD 0.03%). This variant has not been reported in the literature in individuals affected with ALG8-related conditions. ClinVar contains an entry for this variant (Variation ID: 387426). Advanced modeling of protein sequence and biophysical properties (such as structural, functional, and spatial information, amino acid conservation, physicochemical variation, residue mobility, and thermodynamic stability) performed at Invitae indicates that this missense variant is expected to disrupt ALG8 protein function with a positive predictive value of 80%. In summary, the available evidence is currently insufficient to determine the role of this variant in disease. Therefore, it has been classified as a Variant of Uncertain Significance.

Fulgent Genetics
Classification: Uncertain significance for ALG8 congenital disorder of glycosylation; Polycystic liver disease 3 with or without kidney cysts. Last evaluated: 2024-02-11. Review status: criteria provided, single submitter. Criteria: ACMG Guidelines, 2015. Collection method: clinical testing. Allele origin: germline.

Illumina Laboratory Services, Illumina
Classification: Uncertain significance for ALG8 congenital disorder of glycosylation. Last evaluated: 2018-01-12. Review status: criteria provided, single submitter. Criteria: ICSL Variant Classification Criteria 13 December 2019. Collection method: clinical testing. Allele origin: germline.

GeneDx
Classification: Uncertain significance. Last evaluated: 2016-06-29. Review status: criteria provided, single submitter. Criteria: GeneDx Variant Classification (06012015). Collection method: clinical testing. Allele origin: germline. Affected: yes.
Comment: The S373P variant in the ALG8 gene has not been reported previously as a pathogenic variant, nor as a benign variant, to our knowledge. The S373P variant was not observed in approximately 6500 individuals of European and African American ancestry in the NHLBI Exome Sequencing Project, indicating it is not a common benign variant in these populations. The S373P variant is a non-conservative amino acid substitution, which is likely to impact secondary protein structure as these residues differ in polarity, charge, size and/or other properties. This substitution occurs at a position where amino acids with similar properties to Serine are tolerated across species. In silico analysis is inconsistent in its predictions as to whether or not the variant is damaging to the protein structure/function. We interpret S373P as a variant of uncertain significance.